The following is an entry in ClinVar:

ClinVar aggregate classification (germline): Uncertain significance (1 of 4 stars; one submission).

Conditions:
Emery-Dreifuss muscular dystrophy (EDMD). Also called: Scapuloperoneal syndrome, X-linked (formerly); Humeroperoneal neuromuscular disease, (formerly). Identifiers: Orphanet 261, MedGen C0410189, MONDO:0016830.

Submission:

Labcorp Genetics (formerly Invitae), Labcorp
Classification: Uncertain significance for Emery-Dreifuss muscular dystrophy. Last evaluated: 2021-10-19. Review status: criteria provided, single submitter. Criteria: Invitae Variant Classification Sherloc (09022015). Collection method: clinical testing. Allele origin: germline.
Comment: This variant is not present in population databases (ExAC no frequency). This sequence change replaces glycine with serine at codon 76 of the SUN1 protein (p.Gly76Ser). The glycine residue is weakly conserved and there is a small physicochemical difference between glycine and serine. In summary, the available evidence is currently insufficient to determine the role of this variant in disease. Therefore, it has been classified as a Variant of Uncertain Significance. Algorithms developed to predict the effect of missense changes on protein structure and function output the following: SIFT: "Tolerated"; PolyPhen-2: "Benign"; Align-GVGD: "Class C0". The serine amino acid residue is found in multiple mammalian species, which suggests that this missense change does not adversely affect protein function. This variant has not been reported in the literature in individuals affected with SUN1-related conditions.

NM_001130965.3(SUN1):c.226G>A (p.Gly76Ser)

Gene: SUN1 (Sad1 and UNC84 domain containing 1; plus strand). Cytogenetic location: 7p22.3.
Variant type: single nucleotide variant.
Coding change: c.226G>A on transcript NM_001130965.3 (MANE Select); coding-DNA position 226, G replaced by A.
Protein change: p.Gly76Ser; replaces glycine 76 with serine.
Molecular consequence: missense variant. On other transcripts: 5 prime UTR variant (2), non-coding transcript variant (3), intron variant (2).
Genome position (GRCh38, 1-based): chr7:838,946, G>A. VCF-style: chr7-838946-G-A. GRCh37 (hg19) VCF-style: chr7-878583-G-A.
Other names: c.226G>A, p.Gly76Ser (NM_001171944.2, NM_001171946.2, NM_001367633.1 and 34 more transcripts); c.289G>A, p.Gly97Ser (NM_001171945.2); c.-232G>A (NM_001367635.1); c.76G>A, p.Gly26Ser (NM_001367636.1, NM_001367637.1, NM_001367644.1 and 24 more transcripts); c.445G>A, p.Gly149Ser (NM_001367651.1); c.-536G>A (NM_001367658.1); c.78-3000G>A (NM_001367695.1); c.-301-3000G>A (NM_001367639.1); short protein forms G97S, G149S, G76S, G26S.
Identifiers: ClinVar variation 1433425 (VCV001433425.6), dbSNP rs114826023, ClinGen allele CA366545046.
Genomic context (GRCh38, chr7:838,946, plus strand): 5'-TTGCGCCTGGCCACGACAGCATGCACCCTGGGGGATGGTGAGGCTGTGGGTGCCGACAGC[G>A]GCACCAGCAGCGCTGTCTCCCTGAAGAACCGAGCGGCCAGGTGAGCACCGCTGCACTTCC-3'
Protein context (NP_001124437.1, residues 66-86): GDGEAVGADS[Gly76Ser]TSSAVSLKNR